The following is an entry in ClinVar:

ClinVar aggregate classification (germline): Likely benign. Review status: criteria provided, multiple submitters, no conflicts (2 of 4 stars). 2 submissions from 2 submitters: Likely benign (2). Last evaluated 2024-02-23.

Conditions:
Cerebral cavernous malformation 2. Also called: Familial Cerebral Cavernous Malformation 2. Identifiers: Orphanet 221061, MedGen C1864041, MONDO:0011304, OMIM 603284.

Allele frequency attached by ClinVar (database versions not stated): gnomAD exomes below 0.00001; ExAC 0.00001; TOPMed 0.00003; gnomAD 0.00005; ESP Exome Variant Server 0.00008.
gnomAD v4.1: 11 of 1,605,492 alleles (0.00069%); highest among the groups gnomAD compares: African/African-American, 0.013%; no homozygotes.

Submissions (2):

Labcorp Genetics (formerly Invitae), Labcorp
Classification: Likely benign for Cerebral cavernous malformation 2. Last evaluated: 2024-02-23. Review status: criteria provided, single submitter. Criteria: Invitae Variant Classification Sherloc (09022015). Collection method: clinical testing. Allele origin: germline.

Women's Health and Genetics/Laboratory Corporation of America, LabCorp
Classification: Likely benign. Last evaluated: 2023-11-07. Review status: criteria provided, single submitter. Criteria: LabCorp Variant Classification Summary - May 2015. Collection method: clinical testing. Allele origin: germline.
Comment: Variant summary: CCM2 c.746-17C>T alters a non-conserved nucleotide located at a position not widely known to affect splicing. Consensus agreement among computation tools predict no significant impact on normal splicing. However, these predictions have yet to be confirmed by functional studies. The variant allele was found at a frequency of 8e-06 in 251060 control chromosomes. The available data on variant occurrences in the general population are insufficient to allow any conclusion about variant significance. To our knowledge, no occurrence of c.746-17C>T in individuals affected with Cerebral Cavernous Malformation 2 and no experimental evidence demonstrating its impact on protein function have been reported. One submitter has cited clinical-significance assessments for this variant to ClinVar after 2014 and has classified the variant as likely benign. Based on the evidence outlined above, the variant was classified as likely benign.

NM_031443.4(CCM2):c.746-17C>T

Gene: CCM2 (CCM2 scaffold protein; plus strand). Cytogenetic location: 7p13.
Variant type: single nucleotide variant.
Coding change: c.746-17C>T on transcript NM_031443.4 (MANE Select); 17 bases into the intron before coding-DNA position 746, C replaced by T.
Molecular consequence: intron variant.
Genome position (GRCh38, 1-based): chr7:45,072,709, C>T. VCF-style: chr7-45072709-C-T. GRCh37 (hg19) VCF-style: chr7-45112308-C-T.
Other names: c.869-17C>T (NM_001363458.2); c.473-17C>T (NM_001167935.2); c.695-17C>T (NM_001363459.2); c.572-17C>T (NM_001167934.2); c.809-17C>T (NM_001029835.2).
Identifiers: ClinVar variation 1918311 (VCV001918311.6), dbSNP rs376964561, ClinGen allele CA4247113.